The following is an entry in ClinVar:

NM_201548.5(CERKL):c.769C>T (p.Arg257Ter)

Gene: CERKL (CERK like autophagy regulator; minus strand). Cytogenetic location: 2q31.3.
Variant type: single nucleotide variant.
Coding change: c.769C>T on transcript NM_201548.5 (MANE Select); coding-DNA position 769, C replaced by T.
Protein change: p.Arg257Ter; replaces arginine 257 with a stop codon.
Molecular consequence: nonsense. On other transcripts: non-coding transcript variant (2), intron variant (2).
Genome position (GRCh38, 1-based): chr2:181,558,617, G>A on the plus strand (C>T on the coding strand, the complement: CERKL is on the minus strand). VCF-style: chr2-181558617-G-A. GRCh37 (hg19) VCF-style: chr2-182423344-G-A.
Other names: NM_201548.4(CERKL):c.769C>T; NP_963842.1:p.(Arg257Ter); c.847C>T, p.Arg283Ter (NM_001030311.3); c.715C>T, p.Arg239Ter (NM_001160277.2); c.482-8909C>T (NM_001030312.3); c.614-8909C>T (NM_001030313.3); short protein forms R257*, R283*, R239*.
Identifiers: ClinVar variation 2364 (VCV000002364.95), dbSNP rs121909398, ClinGen allele CA252246.
Genomic context (GRCh38, chr2:181,558,617, plus strand): 5'-CTCCCTTGCCTGCTGGTATTAAGCCAAGTGGAAGCTGTGCTCTGACAGGAGTCAGGATTC[G>A]GTCTGTTTCCATCCCAGCATTCTTCTGAGCTCTCAGAAGCAAAGCATGGGCTACTTCGCT-3'

ClinVar aggregate classification (germline): Pathogenic/Likely pathogenic. Review status: criteria provided, multiple submitters, no conflicts (2 of 4 stars). 47 submissions from 39 submitters: Pathogenic (35); Likely pathogenic (2). 10 of the submissions do not count toward it. Last evaluated 2026-08-04.

Conditions:
CERKL-related retinopathy. Identifiers: MedGen CN322607, MONDO:0800401.
CERKL-related disorders.
CERKL-related disorder. Also called: CERKL-related condition.
Retinal pigment epithelial atrophy. Identifiers: MedGen C1840457, HP:0007722.
Cone dystrophy. Identifiers: Orphanet 1871, MedGen C0730290, MONDO:0000455.
Retinal dystrophy. Also called: Inherited retinal dystrophy. Identifiers: Orphanet 71862, MedGen C0854723, MeSH D058499, MONDO:0019118, HP:0000556.
Retinitis pigmentosa (RP). Identifiers: Orphanet 791, MedGen C0035334, MeSH D012174, MONDO:0019200, OMIM 268000. Inheritance: Autosomal dominant, autosomal recessive and X linked inheritance.
Cone-rod dystrophy. Also called: Cone/cone-rod dystrophy; Cone-rod degeneration. Identifiers: Orphanet 1872, MedGen C4085590, MONDO:0015993, HP:0000548.
Retinitis pigmentosa 26 (RP26). Identifiers: Orphanet 791, MedGen C1842127, MONDO:0012024, OMIM 608380.
Retinal disorder. Also called: Retinal disorders; Retinopathies; Retinal Diseases; Retinopathy. Identifiers: MedGen C0035309, MONDO:0005283, HP:0000488.

Allele frequency attached by ClinVar (database versions not stated): 1000 Genomes Project 30x 0.00016; TOPMed 0.00032; gnomAD 0.00039.

Submissions 1 to 16 of 47:

Genetics Laboratory, Great Ormond Street Hospital NHS Foundation Trust, North Thames Genomic Laboratory Hub
Classification: Pathogenic for Retinal disorders. Last evaluated: 2026-08-04. Review status: criteria provided, single submitter. Criteria: ACGS Best Practice Guidelines for Variant Classification in Rare Disease 2024 v1.2. Collection method: clinical testing. Allele origin: germline. Affected: yes.
Comment: PVS1_very-strong, PM3_moderate

PreventionGenetics, part of Exact Sciences
Classification: Pathogenic for CERKL-related condition. Last evaluated: 2026-07-07. Review status: criteria provided, single submitter. Criteria: ACMG Guidelines, 2015. Collection method: clinical testing. Allele origin: germline.
Comment: The CERKL c.847C>T variant is predicted to result in premature protein termination (p.Arg283*). This variant, also described as c.769C>T (p.Arg257*) in NM_201548.4, has been reported in multiple individuals with autosomal recessive retinitis pigmentosa (see for examples: Tuson et al. 2004. PubMed ID: 14681825; Littink et al. 2010. PubMed ID: 20554613; Table S1, Stone et al. 2017. PubMed ID: 28559085). This variant is present in 0.054% of alleles in individuals of European (Non-Finnish) descent in gnomAD. Nonsense variants in CERKL are an established mechanism of disease. Given the evidence, we interpret this variant as pathogenic.

OLLIN Analises Genomicas, OLLIN
Classification: Pathogenic for Retinitis pigmentosa 26. Last evaluated: 2026-02-13. Review status: criteria provided, single submitter. Criteria: ACMG Guidelines 2015 PMID 25741868. Collection method: clinical testing. Allele origin: germline. Observed: 1 variant allele.
Comment: PVS1, PM2_P, PM3_VS, PP1

Research Institute for Ophthalmology and Vision Science, Shahid Beheshti University of Medical Sciences
Classification: Pathogenic for Retinitis pigmentosa 26. Last evaluated: 2025-12-09. Review status: criteria provided, single submitter. Criteria: ACMG Guidelines, 2015. Collection method: research. Allele origin: inherited. Inheritance: Autosomal recessive inheritance. Affected: yes.
Comment: The variant is stop-gained (PVS1). It has been reported as pathogenic several times and is located in the conserved domain of the protein.

Natera, Inc.
Classification: Pathogenic for Retinitis Pigmentosa 26. Last evaluated: 2025-12-03. Review status: criteria provided, single submitter. Criteria: Natera Variant Classification Schema (03/2026). Collection method: clinical testing. Allele origin: germline.
Comment: The c.847C>T variant in CERKL is a nonsense variant predicted to introduce a stop codon at amino acid 283. This variant is expected to result in nonsense mediated decay, truncation, or a dysfunctional protein product. This variant is rare in the general population with a frequency below the threshold expected for the associated phenotype(s). This variant has been observed in one or more individuals affected with the associated recessive disease, as either homozygous or compound heterozygous with a second variant (PMID: 25472526). Given the available evidence, this variant is classified as Pathogenic.

Dasa
Classification: Pathogenic. Last evaluated: 2025-10-15. Review status: criteria provided, single submitter. Criteria: DASA Assertion Criteria. Collection method: clinical testing. Allele origin: germline.
Comment: NM_201548.5(CERKL):c.769C>T (p.Arg257Ter) introduces a premature termination codon predicted to result in loss of normal protein function. Loss-of-function is an established mechanism of disease for this gene. Segregation evidence has been reported in affected families. This variant has been observed in affected individuals with related phenotype in a genotype context consistent with recessive disease (PMID: 14681825; PMID: 21151602; PMID: 22164218). This variant has been recurrently observed in individuals with related phenotype (PMID: 14681825; PMID: 21151602; PMID: 22164218). The variant is present at low frequency in population datasets. Based on the available data, this variant is classified as pathogenic.

First Genomix Gene Laboratory, Genetic Diagnostics Department
Classification: Likely pathogenic for Retinitis pigmentosa 26. Last evaluated: 2025-09-19. Review status: criteria provided, single submitter. Criteria: ACMG Guidelines, 2015. Collection method: clinical testing. Allele origin: germline. Inheritance: Autosomal recessive inheritance. Affected: no. Observed: 1 variant allele.

Revvity Omics, Revvity
Classification: Pathogenic for Retinitis pigmentosa 26. Last evaluated: 2025-06-13. Review status: criteria provided, single submitter. Criteria: ACMG Guidelines, 2015. Collection method: clinical testing. Allele origin: germline.

Labcorp Genetics (formerly Invitae), Labcorp
Classification: Pathogenic. Last evaluated: 2025-01-07. Review status: criteria provided, single submitter. Criteria: Invitae Variant Classification Sherloc (09022015). Collection method: clinical testing. Allele origin: germline.
Comment: This sequence change creates a premature translational stop signal (p.Arg283*) in the CERKL gene. It is expected to result in an absent or disrupted protein product. Loss-of-function variants in CERKL are known to be pathogenic (PMID: 14681825, 23591405, 24043777). This variant is present in population databases (rs121909398, gnomAD 0.05%). This premature translational stop signal has been observed in individual(s) with CERKL-related conditions (PMID: 14681825, 21151602, 24625443, 25097241, 28041643, 221642182). ClinVar contains an entry for this variant (Variation ID: 2364). Algorithms developed to predict the effect of sequence changes on RNA splicing suggest that this variant may disrupt the consensus splice site. For these reasons, this variant has been classified as Pathogenic.

3billion
Classification: Pathogenic for Retinitis pigmentosa 26. Last evaluated: 2024-12-26. Review status: criteria provided, single submitter. Criteria: ACMG Guidelines, 2015. Collection method: clinical testing. Allele origin: germline. Affected: yes.
Comment: The variant is observed at an extremely low frequency in the gnomAD v4.1.0 dataset (total allele frequency: 0.059%). Predicted Consequence/Location: Stop-gained (nonsense): predicted to result in a loss or disruption of normal protein function through nonsense-mediated decay (NMD) or protein truncation. Multiple pathogenic variants are reported downstream of the variant. The variant has been reported at least twice as pathogenic with clinical assertions and evidence for the classification (ClinVar ID: VCV000002364 /PMID: 14681825 /3billion dataset). Therefore, this variant is classified as Pathogenic according to the recommendation of ACMG/AMP guideline.

Blueprint Genetics
Classification: Pathogenic for CERKL-related disorders. Last evaluated: 2024-11-20. Review status: criteria provided, single submitter. Criteria: ACMG Guidelines, 2015. Collection method: clinical testing. Allele origin: germline. Affected: yes. Observed: 5 variant alleles.

Lab De Baere, Eye and Developmental Genetics Lab, Ghent University
Classification: Pathogenic for Cone-rod dystrophy. Last evaluated: 2024-10-01. Review status: criteria provided, single submitter. Criteria: ACMG Guidelines, 2015. Collection method: research. Allele origin: inherited. Affected: yes. Observed: 1 variant allele.
Comment: ACMG/AMP guidelines: PM2, PP4_PP, PVS1, PP1, PM3_2

Lab De Baere, Eye and Developmental Genetics Lab, Ghent University
Classification: Pathogenic for Retinitis pigmentosa. Last evaluated: 2024-10-01. Review status: criteria provided, single submitter. Criteria: ACMG Guidelines, 2015. Collection method: research. Allele origin: inherited. Affected: yes. Observed: 2 variant alleles.
Comment: ACMG/AMP guidelines: PM2, PP4_PM, PVS1, PP1, PM3_PS

Ophthalmic Genetics Group, Institute of Molecular and Clinical Ophthalmology Basel
Classification: Pathogenic for Retinal dystrophy. Last evaluated: 2024-05-27. Review status: criteria provided, single submitter. Criteria: ACMG Guidelines, 2015. Collection method: research. Allele origin: germline. Affected: yes. Observed: 7 variant alleles.
Comment: This variant was classified as Pathogenic based on ACMG criteria: PVS1_very strong, PM2_mod, PM3_very strong

Baylor Genetics
Classification: Pathogenic for Retinitis pigmentosa 26. Last evaluated: 2024-03-28. Review status: criteria provided, single submitter. Criteria: ACMG Guidelines, 2015. Collection method: clinical testing. Allele origin: unknown.

Fulgent Genetics
Classification: Pathogenic for Retinitis pigmentosa 26. Last evaluated: 2024-03-07. Review status: criteria provided, single submitter. Criteria: ACMG Guidelines, 2015. Collection method: clinical testing. Allele origin: germline.